The following is an entry in ClinVar:

ClinVar aggregate classification (germline): Uncertain significance (1 of 4 stars; one submission).

Conditions:
Progressive microcephaly-seizures-cortical blindness-developmental delay syndrome. Also called: Seizures, cortical blindness, and microcephaly syndrome. Identifiers: Orphanet 477814, MedGen C5567650, MONDO:0014714, OMIM 616632.
Autosomal dominant nonsyndromic hearing loss 1. Also called: DEAFNESS, AUTOSOMAL DOMINANT 1, WITH OR WITHOUT THROMBOCYTOPENIA; KONIGSMARK SYNDROME. Identifiers: Orphanet 90635, MedGen C1852282, MONDO:0007424, OMIM 124900.

Submission:

Labcorp Genetics (formerly Invitae), Labcorp
Classification: Uncertain significance for Progressive microcephaly-seizures-cortical blindness-developmental delay syndrome; Autosomal dominant nonsyndromic hearing loss 1. Last evaluated: 2022-06-13. Review status: criteria provided, single submitter. Criteria: Invitae Variant Classification Sherloc (09022015). Collection method: clinical testing. Allele origin: germline.
Comment: This sequence change replaces valine, which is neutral and non-polar, with alanine, which is neutral and non-polar, at codon 777 of the DIAPH1 protein (p.Val777Ala). In summary, the available evidence is currently insufficient to determine the role of this variant in disease. Therefore, it has been classified as a Variant of Uncertain Significance. Algorithms developed to predict the effect of missense changes on protein structure and function are either unavailable or do not agree on the potential impact of this missense change (SIFT: "Tolerated"; PolyPhen-2: "Possibly Damaging"; Align-GVGD: "Class C0"). This variant has not been reported in the literature in individuals affected with DIAPH1-related conditions. This variant is not present in population databases (gnomAD no frequency).

NM_005219.5(DIAPH1):c.2330T>C (p.Val777Ala)

Gene: DIAPH1 (diaphanous related formin 1; minus strand). Cytogenetic location: 5q31.3.
Variant type: single nucleotide variant.
Coding change: c.2330T>C on transcript NM_005219.5 (MANE Select); coding-DNA position 2330, T replaced by C.
Protein change: p.Val777Ala; replaces valine 777 with alanine.
Molecular consequence: missense variant.
Genome position (GRCh38, 1-based): chr5:141,573,520, A>G on the plus strand (T>C on the coding strand, the complement: DIAPH1 is on the minus strand). VCF-style: chr5-141573520-A-G. GRCh37 (hg19) VCF-style: chr5-140953087-A-G.
Other names: c.2303T>C, p.Val768Ala (NM_001079812.3); c.2330T>C, p.Val777Ala (NM_001314007.2); short protein forms V768A, V777A.
Identifiers: ClinVar variation 1347049 (VCV001347049.8), dbSNP rs2154596261, ClinGen allele CA361514582.